The following is an entry in ClinVar:

NM_000179.3(MSH6):c.458-13C>A

Gene: MSH6 (mutS homolog 6; plus strand). Cytogenetic location: 2p16.3.
Variant type: single nucleotide variant.
Coding change: c.458-13C>A on transcript NM_000179.3 (MANE Select); 13 bases into the intron before coding-DNA position 458, C replaced by A.
Molecular consequence: intron variant.
Genome position (GRCh38, 1-based): chr2:47,795,881, C>A. VCF-style: chr2-47795881-C-A. GRCh37 (hg19) VCF-style: chr2-48023020-C-A.
Other names: c.-279-2730C>A (NM_001281493.2); c.238-2730C>A (NM_001281492.2); c.-445-13C>A (NM_001281494.2).
Identifiers: ClinVar variation 387111 (VCV000387111.14), dbSNP rs1057522695, ClinGen allele CA16604272.

ClinVar aggregate classification (germline): Conflicting classifications of pathogenicity. Review status: criteria provided, conflicting classifications (1 of 4 stars). 4 submissions from 4 submitters: Uncertain significance (2); Likely benign (2). Last evaluated 2025-06-18.

Conditions:
Hereditary nonpolyposis colorectal neoplasms. Identifiers: MedGen C0009405, MeSH D003123.
Hereditary cancer-predisposing syndrome. Also called: Hereditary Cancer Syndrome; Hereditary neoplastic syndrome; Neoplastic Syndromes, Hereditary; Tumor predisposition. Identifiers: Orphanet 140162, MedGen C0027672, MeSH D009386, MONDO:0015356.

gnomAD v4.1: 5 of 1,611,984 alleles (0.00031%); highest among the groups gnomAD compares: Non-Finnish European, 0.00025%; no homozygotes.

Submissions (4):

Labcorp Genetics (formerly Invitae), Labcorp
Classification: Likely benign for Hereditary nonpolyposis colorectal neoplasms. Last evaluated: 2025-06-18. Review status: criteria provided, single submitter. Criteria: Invitae Variant Classification Sherloc (09022015). Collection method: clinical testing. Allele origin: germline.

Sema4
Classification: Uncertain significance for Hereditary cancer-predisposing syndrome. Last evaluated: 2021-08-23. Review status: criteria provided, single submitter. Criteria: Sema4 Curation Guidelines. Collection method: curation. Allele origin: germline.
Comment: The MSH6 c.458-13C>A variant has not been reported in literature to our knowledge. This variant not observed in the large and broad cohorts of the Genome Aggregation Database (PMID: 32461654). This variant has been reported in ClinVar (Variation ID 182005). Functional studies have not been performed, and in silico tools suggest that the variant's effect on splicing is not predictable. The overall evidence is insufficient to meet ACMG/AMP criteria for classifying it as benign or pathogenic. In summary, the clinical significance of this variant is currently uncertain.

Color Diagnostics, LLC DBA Color Health
Classification: Uncertain significance for Hereditary cancer-predisposing syndrome. Last evaluated: 2021-07-08. Review status: criteria provided, single submitter. Criteria: ACMG Guidelines, 2015. Collection method: clinical testing. Allele origin: germline.
Comment: This variant causes a C>A nucleotide substitution at the -13 position of intron 2 of the MSH6 gene. To our knowledge, functional studies have not been reported for this variant. This variant has not been reported in individuals affected with hereditary cancer in the literature. This variant has not been identified in the general population by the Genome Aggregation Database (gnomAD). The available evidence is insufficient to determine the role of this variant in disease conclusively. Therefore, this variant is classified as a Variant of Uncertain Significance.

GeneDx
Classification: Likely benign. Last evaluated: 2018-05-02. Review status: criteria provided, single submitter. Criteria: GeneDx Variant Classification Process June 2021. Collection method: clinical testing. Allele origin: germline. Affected: yes.